The following is an entry in ClinVar:

NM_014956.5(CEP164):c.3872C>T (p.Pro1291Leu)

Gene: CEP164 (centrosomal protein 164; plus strand). Cytogenetic location: 11q23.3.
Variant type: single nucleotide variant.
Coding change: c.3872C>T on transcript NM_014956.5 (MANE Select); coding-DNA position 3872, C replaced by T.
Protein change: p.Pro1291Leu; replaces proline 1291 with leucine.
Molecular consequence: missense variant.
Genome position (GRCh38, 1-based): chr11:117,409,741, C>T. VCF-style: chr11-117409741-C-T. GRCh37 (hg19) VCF-style: chr11-117280457-C-T.
Other names: c.3857C>T, p.Pro1286Leu (NM_001271933.2); short protein forms P1286L, P1291L.
Identifiers: ClinVar variation 2074202 (VCV002074202.4), dbSNP rs756303986, ClinGen allele CA6295604.

ClinVar aggregate classification (germline): Uncertain significance. Review status: criteria provided, multiple submitters, no conflicts (2 of 4 stars). 2 submissions from 2 submitters: Uncertain significance (2). Last evaluated 2022-10-13.

Conditions:
Nephronophthisis 15 (NPHP15). Identifiers: Orphanet 3156, MedGen C3541853, MONDO:0013917, OMIM 614845.

Allele frequency attached by ClinVar (database versions not stated): ExAC 0.00002; TOPMed 0.00002; gnomAD 0.00003.
gnomAD v4.1: 39 of 1,613,882 alleles (0.0024%); highest among the groups gnomAD compares: South Asian, 0.0044%; no homozygotes.

Submissions (2):

Labcorp Genetics (formerly Invitae), Labcorp
Classification: Uncertain significance for Nephronophthisis 15. Last evaluated: 2022-10-13. Review status: criteria provided, single submitter. Criteria: Invitae Variant Classification Sherloc (09022015). Collection method: clinical testing. Allele origin: germline.
Comment: In summary, the available evidence is currently insufficient to determine the role of this variant in disease. Therefore, it has been classified as a Variant of Uncertain Significance. Advanced modeling of protein sequence and biophysical properties (such as structural, functional, and spatial information, amino acid conservation, physicochemical variation, residue mobility, and thermodynamic stability) performed at Invitae indicates that this missense variant is not expected to disrupt CEP164 protein function. This variant has not been reported in the literature in individuals affected with CEP164-related conditions. This variant is present in population databases (rs756303986, gnomAD 0.006%). This sequence change replaces proline, which is neutral and non-polar, with leucine, which is neutral and non-polar, at codon 1291 of the CEP164 protein (p.Pro1291Leu).

Blueprint Genetics
Classification: Uncertain significance. Last evaluated: 2022-06-15. Review status: criteria provided, single submitter. Criteria: ACMG Guidelines, 2015. Collection method: clinical testing. Allele origin: germline.